The following is an entry in ClinVar:

ClinVar aggregate classification (germline): Uncertain significance (1 of 4 stars; one submission).

Conditions:
Autosomal recessive limb-girdle muscular dystrophy type 2F (LGMDR6). Also called: Muscular dystrophy limb-girdle with delta-sarcoglyan deficiency; MUSCULAR DYSTROPHY, LIMB-GIRDLE, AUTOSOMAL RECESSIVE 6. Identifiers: Orphanet 219, MedGen C1832525, MONDO:0011028, OMIM 601287. Disease mechanism: Affects gamma-sarcoglycan and also disrupts the integrity of the entire sarcoglycan complex..

Allele frequency attached by ClinVar (database versions not stated): gnomAD exomes below 0.00001; ExAC 0.00001.
gnomAD v4.1: 2 of 1,607,116 alleles (0.00012%); highest among the groups gnomAD compares: Non-Finnish European, 0.00017%; no homozygotes.

Submission:

Labcorp Genetics (formerly Invitae), Labcorp
Classification: Uncertain significance for Autosomal recessive limb-girdle muscular dystrophy type 2F. Last evaluated: 2021-09-24. Review status: criteria provided, single submitter. Criteria: Invitae Variant Classification Sherloc (09022015). Collection method: clinical testing. Allele origin: germline.
Comment: This sequence change replaces glutamic acid with glutamine at codon 133 of the SGCD protein (p.Glu133Gln). The glutamic acid residue is moderately conserved and there is a small physicochemical difference between glutamic acid and glutamine. This variant is present in population databases (rs746717495, ExAC 0.002%). This variant has not been reported in the literature in individuals with SGCD-related conditions. Algorithms developed to predict the effect of missense changes on protein structure and function (SIFT, PolyPhen-2, Align-GVGD) all suggest that this variant is likely to be tolerated, but these predictions have not been confirmed by published functional studies and their clinical significance is uncertain. In summary, the available evidence is currently insufficient to determine the role of this variant in disease. Therefore, it has been classified as a Variant of Uncertain Significance.

NM_000337.6(SGCD):c.397G>C (p.Glu133Gln)

Gene: SGCD (sarcoglycan delta; plus strand). Cytogenetic location: 5q33.3.
Variant type: single nucleotide variant.
Coding change: c.397G>C on transcript NM_000337.6 (MANE Select); coding-DNA position 397, G replaced by C.
Protein change: p.Glu133Gln; replaces glutamic acid 133 with glutamine.
Molecular consequence: missense variant.
Genome position (GRCh38, 1-based): chr5:156,594,946, G>C. VCF-style: chr5-156594946-G-C. GRCh37 (hg19) VCF-style: chr5-156021956-G-C.
Other names: c.394G>C, p.Glu132Gln (NM_001128209.2); c.397G>C, p.Glu133Gln (NM_172244.3); short protein forms E132Q, E133Q.
Identifiers: ClinVar variation 1362741 (VCV001362741.5), dbSNP rs746717495, ClinGen allele CA3530595.